The following is an entry in ClinVar:

ClinVar aggregate classification (germline): Pathogenic (1 of 4 stars; one submission).

Conditions:
Developmental and epileptic encephalopathy, 9 (DEE9). Also called: Early infantile epileptic encephalopathy 9; EPILEPSY, FEMALE-RESTRICTED, WITH MENTAL RETARDATION; JUBERG-HELLMAN SYNDROME; PCDH19-Related X-Linked Female-Limited Epilepsy with Mental Retardation. Identifiers: Orphanet 101039, Orphanet 2076, MedGen C1848137, MONDO:0010246, OMIM 300088. Disease mechanism: loss of function.

Submission:

Labcorp Genetics (formerly Invitae), Labcorp
Classification: Pathogenic for Developmental and epileptic encephalopathy, 9. Last evaluated: 2024-02-05. Review status: criteria provided, single submitter. Criteria: Invitae Variant Classification Sherloc (09022015). Collection method: clinical testing. Allele origin: germline.
Comment: This sequence change creates a premature translational stop signal (p.Lys86*) in the PCDH19 gene. It is expected to result in an absent or disrupted protein product. Loss-of-function variants in PCDH19 are known to be pathogenic (PMID: 21053371). This variant is not present in population databases (gnomAD no frequency). This variant has not been reported in the literature in individuals affected with PCDH19-related conditions. ClinVar contains an entry for this variant (Variation ID: 2090893). For these reasons, this variant has been classified as Pathogenic.

Literature cited by the submitters: PubMed 21053371.

NM_001184880.2(PCDH19):c.256A>T (p.Lys86Ter)

Gene: PCDH19 (protocadherin 19; minus strand). Cytogenetic location: Xq22.1.
Variant type: single nucleotide variant.
Coding change: c.256A>T on transcript NM_001184880.2 (MANE Select); coding-DNA position 256, A replaced by T.
Protein change: p.Lys86Ter; replaces lysine 86 with a stop codon.
Molecular consequence: nonsense.
Genome position (GRCh38, 1-based): chrX:100,408,342, T>A on the plus strand (A>T on the coding strand, the complement: PCDH19 is on the minus strand). VCF-style: chrX-100408342-T-A. GRCh37 (hg19) VCF-style: chrX-99663340-T-A.
Other names: c.256A>T, p.Lys86Ter (NM_001105243.2, NM_020766.3); short protein forms K86*.
Identifiers: ClinVar variation 2090893 (VCV002090893.4), dbSNP rs2520996511, ClinGen allele CA414011001.